The following is an entry in ClinVar:

NM_000350.3(ABCA4):c.5391_5392del (p.Cys1797_Ala1798insTer)

Gene: ABCA4 (ATP binding cassette subfamily A member 4; minus strand). Cytogenetic location: 1p22.1.
Variant type: Microsatellite.
Coding change: c.5391_5392del on transcript NM_000350.3 (MANE Select); coding-DNA positions 5391 to 5392, 2 bases deleted (TG; older notation c.5391_5392delTG).
Protein change: p.Cys1797_Ala1798insTer.
Molecular consequence: frameshift variant. On other transcripts: nonsense (1).
Genome position (GRCh38, 1-based): chr1:94,014,611-94,014,612, CA deleted on the plus strand (TG on the coding strand, the reverse complement: ABCA4 is on the minus strand); deleting any 2 consecutive bases within chr1:94,014,611-94,014,614 gives the same sequence; the c. name uses the placement nearest the transcript's 3' end. VCF-style (leftmost placement, unchanged base first): chr1-94014610-GCA-G. GRCh37 (hg19) VCF-style: chr1-94480166-GCA-G.
Other names: c.5167_5168TG[1], p.Ala1724Terfs (NM_001425324.1).
Identifiers: ClinVar variation 190983 (VCV000190983.3), dbSNP rs786205445, ClinGen allele CA235747.

ClinVar aggregate classification (germline): Pathogenic. Review status: criteria provided, single submitter (1 of 4 stars). 3 submissions from 2 submitters: Pathogenic (1). 2 of the submissions do not count toward it. Last evaluated 2024-03-29.

Conditions:
Severe early-childhood-onset retinal dystrophy (STGD1). Also called: Stargardt macular dystrophy; Juvenile onset macular degeneration; Stargardt disease 1; STGD; MACULAR DYSTROPHY WITH FLECKS, TYPE 1. Identifiers: Orphanet 364055, Orphanet 827, MedGen C1855465, MeSH D000080362, MONDO:0009549, OMIM 248200.
Autosomal recessive retinitis pigmentosa. Identifiers: MedGen C0339526.

Submissions (3):

Genomic Medicine Center of Excellence, King Faisal Specialist Hospital and Research Centre
Classification: Pathogenic for Severe early-childhood-onset retinal dystrophy. Last evaluated: 2024-03-29. Review status: criteria provided, single submitter. Criteria: ACMG Guidelines, 2015. Collection method: clinical testing. Allele origin: germline.

Faculty of Health Sciences, Beirut Arab University
Classification: Pathogenic for Autosomal recessive Retinitis Pigmentosa. Last evaluated: 2015-09-10. Review status: no assertion criteria provided. Collection method: literature only. Allele origin: germline. Affected: yes. Observed: 2 variant alleles. Not counted in ClinVar's aggregate classification.

Genomic Medicine Center of Excellence, King Faisal Specialist Hospital and Research Centre
Classification: Likely pathogenic. Review status: flagged submission. Criteria: ACMG Guidelines, 2015. Collection method: research. Allele origin: germline. Affected: yes. Not counted in ClinVar's aggregate classification.
ClinVar note: Reason: This record appears to be redundant with a more recent record from the same submitter.
ClinVar note: Notes: SCV000221350 appears to be redundant with SCV004807704.

Literature cited by the submitters: PubMed 26355662 (cited by Faculty of Health Sciences, Beirut Arab University).